The following is an entry in ClinVar:

ClinVar aggregate classification (germline): Uncertain significance. Review status: criteria provided, single submitter (1 of 4 stars). 2 submissions from 2 submitters: Uncertain significance (1). 1 of the submissions does not count toward it. Last evaluated 2022-07-18.

Conditions:
Zellweger spectrum disorders (ZS). Also called: Zellweger Spectrum Disorder; Zellweger Spectrum; Zellweger Spectrum Disorder (ZSD); Zellweger syndrome. Identifiers: Orphanet 912, MedGen C0043459, MONDO:0019609.
Peroxisome biogenesis disorder, complementation group 7 (CG7). Also called: Peroxisome biogenesis disorder, complementation group B. Identifiers: MedGen C1864399.

Allele frequency attached by ClinVar (database versions not stated): gnomAD exomes 0.00002.

Submissions (2):

Labcorp Genetics (formerly Invitae), Labcorp
Classification: Uncertain significance for Peroxisome biogenesis disorder, complementation group 7. Last evaluated: 2022-07-18. Review status: criteria provided, single submitter. Criteria: Invitae Variant Classification Sherloc (09022015). Collection method: clinical testing. Allele origin: germline.
Comment: This sequence change replaces leucine, which is neutral and non-polar, with proline, which is neutral and non-polar, at codon 211 of the PEX10 protein (p.Leu211Pro). The frequency data for this variant in the population databases is considered unreliable, as metrics indicate poor data quality at this position in the gnomAD database. This variant has not been reported in the literature in individuals affected with PEX10-related conditions. ClinVar contains an entry for this variant (Variation ID: 1011833). Algorithms developed to predict the effect of missense changes on protein structure and function are either unavailable or do not agree on the potential impact of this missense change (SIFT: "Deleterious"; PolyPhen-2: "Benign"; Align-GVGD: "Class C0"). Algorithms developed to predict the effect of sequence changes on RNA splicing suggest that this variant may create or strengthen a splice site. In summary, the available evidence is currently insufficient to determine the role of this variant in disease. Therefore, it has been classified as a Variant of Uncertain Significance.

Natera, Inc.
Classification: Uncertain significance for Zellweger syndrome. Last evaluated: 2021-03-12. Review status: no assertion criteria provided. Collection method: clinical testing. Allele origin: germline. Not counted in ClinVar's aggregate classification.

NM_002617.4(PEX10):c.601-29T>C

Gene: PEX10 (peroxisomal biogenesis factor 10; minus strand). Cytogenetic location: 1p36.32.
Variant type: single nucleotide variant.
Coding change: c.601-29T>C on transcript NM_002617.4 (MANE Select); 29 bases into the intron before coding-DNA position 601, T replaced by C.
Molecular consequence: intron variant. On other transcripts: missense variant (3).
Genome position (GRCh38, 1-based): chr1:2,406,924, A>G on the plus strand (T>C on the coding strand, the complement: PEX10 is on the minus strand). VCF-style: chr1-2406924-A-G. GRCh37 (hg19) VCF-style: chr1-2338363-A-G.
Other names: c.629T>C, p.Leu210Pro (NM_001374425.1); c.197T>C, p.Leu66Pro (NM_001374426.1); c.632T>C, p.Leu211Pro (NM_153818.2); c.169-29T>C (NM_001374427.1); short protein forms L210P, L211P, L66P.
Identifiers: ClinVar variation 1011833 (VCV001011833.3), dbSNP rs1195070492, ClinGen allele CA337985903.